The following is an entry in ClinVar:

ClinVar aggregate classification (germline): Likely benign. Review status: criteria provided, multiple submitters, no conflicts (2 of 4 stars). 4 submissions from 4 submitters: Likely benign (3). 1 of the submissions does not count toward it. Last evaluated 2026-04-15.

Conditions:
Usher syndrome type 1F (USH1F). Also called: USHER SYNDROME, TYPE IF. Identifiers: Orphanet 231169, Orphanet 886, MedGen C1865885, MONDO:0011186, OMIM 602083.
PCDH15-related disorder. Also called: PCDH15-related condition; PCDH15-related disorders.

Allele frequency attached by ClinVar (database versions not stated): ExAC 0.00002; TOPMed 0.00003; gnomAD exomes 0.00004 and 0.00010; gnomAD 0.00007 and 0.00008.
gnomAD v4.1: 162 of 1,613,822 alleles (0.01%); highest among the groups gnomAD compares: Non-Finnish European, 0.013%; no homozygotes.

Submissions (4):

PreventionGenetics, part of Exact Sciences
Classification: Likely benign for PCDH15-related condition. Last evaluated: 2026-04-15. Review status: criteria provided, single submitter. Criteria: ACMG Guidelines, 2015. Collection method: clinical testing. Allele origin: germline.
Comment: This variant is classified as likely benign based on ACMG/AMP sequence variant interpretation guidelines (Richards et al. 2015 PMID: 25741868, with internal and published modifications).

Labcorp Genetics (formerly Invitae), Labcorp
Classification: Likely benign. Last evaluated: 2025-12-18. Review status: criteria provided, single submitter. Criteria: Invitae Variant Classification Sherloc (09022015). Collection method: clinical testing. Allele origin: germline.

Blueprint Genetics
Classification: Likely benign. Last evaluated: 2024-07-30. Review status: criteria provided, single submitter. Criteria: ACMG Guidelines, 2015. Collection method: clinical testing. Allele origin: germline.

Natera, Inc.
Classification: Likely benign for Usher syndrome type 1F. Last evaluated: 2020-10-12. Review status: no assertion criteria provided. Collection method: clinical testing. Allele origin: germline. Not counted in ClinVar's aggregate classification.

NM_001384140.1(PCDH15):c.2325G>A (p.Val775=)

Gene: PCDH15 (protocadherin related 15; minus strand). Cytogenetic location: 10q21.1.
Variant type: single nucleotide variant.
Coding change: c.2325G>A on transcript NM_001384140.1 (MANE Select); coding-DNA position 2325, G replaced by A.
Protein change: p.Val775=; no amino-acid change (valine 775 retained).
Molecular consequence: synonymous variant.
Genome position (GRCh38, 1-based): chr10:54,023,093, C>T on the plus strand (G>A on the coding strand, the complement: PCDH15 is on the minus strand). VCF-style: chr10-54023093-C-T. GRCh37 (hg19) VCF-style: chr10-55782853-C-T.
Other names: c.2340G>A, p.Val780= (NM_001142763.2, NM_001142771.2); c.2325G>A, p.Val775= (NM_001142764.2, NM_001142766.2, NM_001142770.3 and 5 more transcripts); c.2112G>A, p.Val704= (NM_001142765.2); c.2214G>A, p.Val738= (NM_001142767.2); c.2259G>A, p.Val753= (NM_001142768.2, NM_001142773.2, NM_001354404.2); c.2361G>A, p.Val787= (NM_001142769.4); c.2346G>A, p.Val782= (NM_001354411.2).
Identifiers: ClinVar variation 763841 (VCV000763841.13), dbSNP rs200792575, ClinGen allele CA5506052.